The following continues an entry in ClinVar:

NM_004004.6(GJB2):c.134G>A (p.Gly45Glu)

Gene: GJB2. ClinVar aggregate classification (germline): Pathogenic. Pathogenic (7).

Submissions 7 to 9 of 9:

Women's Health and Genetics/Laboratory Corporation of America, LabCorp
Classification: Pathogenic for Deafness, autosomal recessive 1A. Last evaluated: 2019-08-21. Review status: criteria provided, single submitter. Criteria: LabCorp Variant Classification Summary - May 2015. Collection method: clinical testing. Allele origin: germline.
Comment: Variant summary: GJB2 c.134G>A (p.Gly45Glu) results in a non-conservative amino acid change located in the Connexin, N-terminal domain (IPR013092)/first extracellular loop domain of the encoded protein sequence. Five of five in-silico tools predict a damaging effect of the variant on protein function. The variant allele was found at a frequency of 8e-06 in 250912 control chromosomes. c.134G>A has been reported as a de-novo variant or as a somatic mosaic in the literature in multiple individuals affected with Keratitis Ichthyosis Deafness Syndrome (KID) (Janecke_2005, Griffith_2006, Jonard_2008, Sbidian_2010, Ogawa_2014, Eskin-Schwartz_2016). These data indicate that the variant is very likely to be associated with disease. Co-occurrence in cis with another pathogenic variant have been reported in the Japanese population (GJB2 c.408C>A, p.Tyr436*), providing supporting evidence for a benign role in the setting of Autosomal Recessive Non-syndromic deafness (Fuse_1999, Ogawa_2014). At least one publication reports experimental evidence evaluating an impact on protein function. The most pronounced variant effect results in a complete inability to form functional gap junctions (Rodriguez-Paris_2016). No clinical diagnostic laboratories have submitted clinical-significance assessments for this variant to ClinVar after 2014. Based on the evidence outlined above, the variant when observed in isolation was classified as pathogenic for a phenotype of KID.

Counsyl
Classification: Likely pathogenic for Deafness, autosomal recessive 1A. Last evaluated: 2014-12-13. Review status: no assertion criteria provided. Collection method: literature only. Allele origin: unknown. Inheritance: Autosomal recessive inheritance. Not counted in ClinVar's aggregate classification.

OMIM
Classification: Pathogenic for KERATITIS-ICHTHYOSIS-DEAFNESS SYNDROME, AUTOSOMAL DOMINANT. Last evaluated: 2011-12-01. Review status: no assertion criteria provided. Collection method: literature only. Allele origin: germline. Not counted in ClinVar's aggregate classification.

Literature cited by the submitters: PubMed 10633133 (cited by Natera, Inc. and Counsyl); PubMed 20154630 (cited by Natera, Inc.); PubMed 22364789 (cited by Natera, Inc.); PubMed 33928925 (cited by Natera, Inc.); PubMed 12167443 (cited by Natera, Inc.); PubMed 15633193 (cited by 3 submitters); PubMed 16885744 (cited by Labcorp Genetics (formerly Invitae), Labcorp and Women's Health and Genetics/Laboratory Corporation of America, LabCorp); PubMed 18024254 (cited by Labcorp Genetics (formerly Invitae), Labcorp and Women's Health and Genetics/Laboratory Corporation of America, LabCorp); PubMed 24785414 (cited by 4 submitters); PubMed 10501520 (cited by 3 submitters); PubMed 26763877 (cited by Labcorp Genetics (formerly Invitae), Labcorp); PubMed 17428836 (cited by Labcorp Genetics (formerly Invitae), Labcorp and Counsyl); PubMed 22031297 (cited by Labcorp Genetics (formerly Invitae), Labcorp and OMIM); PubMed 27761313 (cited by 3 submitters); PubMed 12792423 (cited by Victorian Clinical Genetics Services, Murdoch Childrens Research Institute); PubMed 20412116 (cited by 3 submitters); PubMed 25692760 (cited by Victorian Clinical Genetics Services, Murdoch Childrens Research Institute); PubMed 27087580 (cited by Victorian Clinical Genetics Services, Murdoch Childrens Research Institute and Women's Health and Genetics/Laboratory Corporation of America, LabCorp); PubMed 28428247 (cited by Victorian Clinical Genetics Services, Murdoch Childrens Research Institute); PubMed 32120898 (cited by Victorian Clinical Genetics Services, Murdoch Childrens Research Institute); PubMed 17146396 (cited by Women's Health and Genetics/Laboratory Corporation of America, LabCorp and Counsyl); PubMed 16950989 (cited by Counsyl); PubMed 12560944 (cited by Counsyl); PubMed 21292415 (cited by Counsyl).